The following is an entry in ClinVar:

ClinVar aggregate classification (germline): Likely pathogenic (1 of 4 stars; one submission).

Submission:

Labcorp Genetics (formerly Invitae), Labcorp
Classification: Likely pathogenic. Last evaluated: 2023-04-23. Review status: criteria provided, single submitter. Criteria: Invitae Variant Classification Sherloc (09022015). Collection method: clinical testing. Allele origin: germline.
Comment: This variant is not present in population databases (gnomAD no frequency). This sequence change replaces tryptophan, which is neutral and slightly polar, with glycine, which is neutral and non-polar, at codon 208 of the FLNB protein (p.Trp208Gly). In summary, the currently available evidence indicates that the variant is pathogenic, but additional data are needed to prove that conclusively. Therefore, this variant has been classified as Likely Pathogenic. This variant disrupts the p.Trp208 amino acid residue in FLNB. Other variant(s) that disrupt this residue have been observed in individuals with FLNB-related conditions (PMID: 22190451), which suggests that this may be a clinically significant amino acid residue. Advanced modeling of protein sequence and biophysical properties (such as structural, functional, and spatial information, amino acid conservation, physicochemical variation, residue mobility, and thermodynamic stability) has been performed at Invitae for this missense variant, however the output from this modeling did not meet the statistical confidence thresholds required to predict the impact of this variant on FLNB protein function. This missense change has been observed in individual(s) with clinical features of FLNB-related disorders (Invitae). In at least one individual the variant was observed to be de novo.

Literature cited by the submitters: PubMed 22190451.

NM_001457.4(FLNB):c.622T>G (p.Trp208Gly)

Gene: FLNB (filamin B; plus strand). Cytogenetic location: 3p14.3.
Variant type: single nucleotide variant.
Coding change: c.622T>G on transcript NM_001457.4 (MANE Select); coding-DNA position 622, T replaced by G.
Protein change: p.Trp208Gly; replaces tryptophan 208 with glycine.
Molecular consequence: missense variant.
Genome position (GRCh38, 1-based): chr3:58,078,797, T>G. VCF-style: chr3-58078797-T-G. GRCh37 (hg19) VCF-style: chr3-58064524-T-G.
Other names: c.622T>G, p.Trp208Gly (NM_001164317.2, NM_001164318.2, NM_001164319.2); short protein forms W208G.
Identifiers: ClinVar variation 2849851 (VCV002849851.3), dbSNP rs2470996522, ClinGen allele CA353333938.
Genomic context (GRCh38, chr3:58,078,797, plus strand): 5'-TCCTGGGACCCGCAGAAGCCTGTGGATAATGCACGAGAAGCCATGCAGCAGGCAGATGAC[T>G]GGCTGGGTGTCCCACAGGTATGCACAAGTGTGCCAGGTCCTGTGAGGCTGCCCCCACCCA-3'
Protein context (NP_001448.2, residues 198-218): AREAMQQADD[Trp208Gly]LGVPQVITPE